The following is an entry in ClinVar:

ClinVar aggregate classification (germline): Likely benign. Review status: criteria provided, single submitter (1 of 4 stars). 2 submissions from 2 submitters: Likely benign (1). 1 of the submissions does not count toward it. Last evaluated 2022-07-14.

Conditions:
KCNQ5-related disorder. Also called: KCNQ5-related condition.

Allele frequency attached by ClinVar (database versions not stated): ExAC 0.00001; gnomAD exomes 0.00001; TOPMed 0.00002.
gnomAD v4.1: 13 of 1,612,966 alleles (0.00081%); highest among the groups gnomAD compares: Admixed American, 0.0017%; no homozygotes.

Submissions (2):

Labcorp Genetics (formerly Invitae), Labcorp
Classification: Likely benign. Last evaluated: 2022-07-14. Review status: criteria provided, single submitter. Criteria: Invitae Variant Classification Sherloc (09022015). Collection method: clinical testing. Allele origin: germline.

PreventionGenetics, part of Exact Sciences
Classification: Likely benign for KCNQ5-related condition. Last evaluated: 2019-09-03. Review status: no assertion criteria provided. Collection method: clinical testing. Allele origin: germline. Not counted in ClinVar's aggregate classification.
Comment: This variant is classified as likely benign based on ACMG/AMP sequence variant interpretation guidelines (Richards et al. 2015 PMID: 25741868, with internal and published modifications).

NM_019842.4(KCNQ5):c.993T>C (p.Phe331=)

Gene: KCNQ5 (potassium voltage-gated channel subfamily Q member 5; plus strand). Cytogenetic location: 6q13.
Variant type: single nucleotide variant.
Coding change: c.993T>C on transcript NM_019842.4 (MANE Select); coding-DNA position 993, T replaced by C.
Protein change: p.Phe331=; no amino-acid change (phenylalanine 331 retained).
Molecular consequence: synonymous variant.
Genome position (GRCh38, 1-based): chr6:73,105,331, T>C. VCF-style: chr6-73105331-T-C. GRCh37 (hg19) VCF-style: chr6-73815054-T-C.
Other names: c.993T>C, p.Phe331= (NM_001160130.2, NM_001160132.2, NM_001160133.2 and 1 more transcripts); c.993T>C (NM_001160133.1).
Identifiers: ClinVar variation 1622429 (VCV001622429.10), dbSNP rs753118346, ClinGen allele CA3886870.